The following is an entry in ClinVar:

NM_020158.4(EXOSC5):c.389T>C (p.Leu130Pro)

Gene: EXOSC5 (exosome component 5; minus strand). Cytogenetic location: 19q13.2.
Variant type: single nucleotide variant.
Coding change: c.389T>C on transcript NM_020158.4 (MANE Select); coding-DNA position 389, T replaced by C.
Protein change: p.Leu130Pro; replaces leucine 130 with proline.
Molecular consequence: missense variant.
Genome position (GRCh38, 1-based): chr19:41,389,901, A>G on the plus strand (T>C on the coding strand, the complement: EXOSC5 is on the minus strand). VCF-style: chr19-41389901-A-G. GRCh37 (hg19) VCF-style: chr19-41895806-A-G.
Other names: short protein forms L130P.
Identifiers: ClinVar variation 3775746 (VCV003775746.1).
Genomic context (GRCh38, chr19:41,389,901, plus strand): 5'-GCCCGCATGGGCACACCTGCATCCACCAATGCCATGCAGGCGGCATTCAGACAACAGGCC[A>G]GGAGCTGAGCACCACAGGAAATGGTTAAGTTTCTTTTTTTTTTTTTTGGAGATGGAGTTT-3'
Protein context (NP_064543.3, residues 120-140): LQVVSDAGSL[Leu130Pro]ACCLNAACMA

ClinVar aggregate classification (germline): Uncertain significance (1 of 4 stars; one submission).

Conditions:
Cerebellar ataxia, brain abnormalities, and cardiac conduction defects. Identifiers: Orphanet 641361, MedGen C5562005, MONDO:0859200, OMIM 619576.

Submission:

3billion
Classification: Uncertain significance for Cerebellar ataxia, brain abnormalities, and cardiac conduction defects. Last evaluated: 2024-01-26. Review status: criteria provided, single submitter. Criteria: ACMG Guidelines, 2015. Collection method: clinical testing. Allele origin: germline. Affected: yes.
Comment: The variant is not observed in the gnomAD v2.1.1 dataset. Predicted Consequence/Location: Missense variant In silico tool predictions suggest damaging effect of the variant on gene or gene product [REVEL: 0.70 (>=0.6, sensitivity 0.68 and specificity 0.92); 3Cnet: 0.69 (>=0.6, sensitivity 0.72 and precision 0.9)]. Therefore, this variant is classified as VUS according to the recommendation of ACMG/AMP guideline.